The following is an entry in ClinVar:

ClinVar aggregate classification (germline): Pathogenic/Likely pathogenic. Review status: criteria provided, multiple submitters, no conflicts (2 of 4 stars). 2 submissions from 2 submitters: Pathogenic (1); Likely pathogenic (1). Last evaluated 2026-05-15.

Conditions:
CEP290-related ciliopathy. Also called: CEP290 ciliopathy. Identifiers: MedGen CN305601, MONDO:0100451.
Rod-cone dystrophy. Identifiers: MedGen C4551714, HP:0000510.

Submissions (2):

Myriad Genetics, Inc.
Classification: Pathogenic for CEP290-related ciliopathy. Last evaluated: 2026-05-15. Review status: criteria provided, single submitter. Criteria: Myriad Autosomal Dominant, Autosomal Recessive and X-Linked Classification Criteria (2023). Collection method: clinical testing. Allele origin: unknown.
Comment: NM_025114.3(CEP290):c.1691delG(G564Efs*9) is expected to be pathogenic in the context of CEP290-related disorders. This variant is predicted to lead to an abnormal or absent protein product due to the creation of a premature termination codon in CEP290, a gene where loss-of-function variants are known to be pathogenic. Please note: this variant was assessed in the context of healthy population screening.

Center for Human Genetics and Genomic Medicine, Uniklinik Rwth Aachen
Classification: Likely pathogenic for Rod-cone dystrophy. Last evaluated: 2022-10-04. Review status: criteria provided, single submitter. Criteria: ACMG Guidelines, 2015. Collection method: clinical testing. Allele origin: inherited. Inheritance: Autosomal recessive inheritance. Affected: yes. Observed: 1 homozygote.
Comment: The variant is not listed in control collectives (gnomAD) and has not yet been described in the ClinVar database or in the literature. In case of frameshift variants in a gene that matches the phenotype, in which "loss of function" changes represent a known pathomechanism, there is a high probability of pathogenetic relevance. The variant is currently to be regarded as a "likely pathogenic variant" (ACMG criteria).

NM_025114.4(CEP290):c.1691del (p.Gly564fs)

Gene: CEP290 (centrosomal protein 290; minus strand). Cytogenetic location: 12q21.32.
Variant type: Deletion.
Coding change: c.1691del on transcript NM_025114.4 (MANE Select); coding-DNA position 1691, one base deleted (G; older notation c.1691delG).
Protein change: p.Gly564fs; shifts the reading frame from glycine 564.
Molecular consequence: frameshift variant.
Genome position (GRCh38, 1-based): chr12:88,118,503, C deleted on the plus strand (G on the coding strand, the reverse complement: CEP290 is on the minus strand); the first of 2 consecutive C bases (chr12:88,118,503-88,118,504); deleting either gives the same sequence. VCF-style (leftmost placement, unchanged base first): chr12-88118502-TC-T. GRCh37 (hg19) VCF-style: chr12-88512279-TC-T.
Other names: short protein forms G564fs.
Identifiers: ClinVar variation 1711140 (VCV001711140.3), dbSNP rs2500938116, ClinGen allele CA2580086743.